The following is an entry in ClinVar:

NM_001256789.3(CACNA1F):c.2969G>A (p.Gly990Glu)

Gene: CACNA1F (calcium voltage-gated channel subunit alpha1 F; minus strand). Cytogenetic location: Xp11.23.
Variant type: single nucleotide variant.
Coding change: c.2969G>A on transcript NM_001256789.3 (MANE Select); coding-DNA position 2969, G replaced by A.
Protein change: p.Gly990Glu; replaces glycine 990 with glutamic acid.
Molecular consequence: missense variant.
Genome position (GRCh38, 1-based): chrX:49,217,965, C>T on the plus strand (G>A on the coding strand, the complement: CACNA1F is on the minus strand). VCF-style: chrX-49217965-C-T. GRCh37 (hg19) VCF-style: chrX-49074424-C-T.
Other names: c.2807G>A, p.Gly936Glu (NM_001256790.3); c.3002G>A, p.Gly1001Glu (NM_005183.4); short protein forms G1001E, G936E, G990E.
Identifiers: ClinVar variation 3370342 (VCV003370342.1).

ClinVar aggregate classification (germline): Uncertain significance (1 of 4 stars; one submission).

Conditions:
Aland island eye disease (AIED). Also called: Forsius Eriksson type ocular albinism. Identifiers: Orphanet 178333, MedGen C0268505, MONDO:0010371, OMIM 300600.

Submission:

MVZ Medizinische Genetik Mainz
Classification: Uncertain significance for Aland island eye disease. Last evaluated: 2024-09-26. Review status: criteria provided, single submitter. Criteria: UK Practice Guidelines For Variant Classification V4 01 2020. Collection method: clinical testing. Allele origin: germline. Inheritance: X-linked dominant inheritance. Observed: 1 variant allele.
Comment: ACMG Criteria: PP3_STR,PM2_SUP